The following is an entry in ClinVar:

NC_000005.9:g.(?_60183257)_(60394869_?)del

Genes: ERCC8 (ERCC excision repair 8, CSA ubiquitin ligase complex subunit; minus strand), NDUFAF2 (NADH:ubiquinone oxidoreductase complex assembly factor 2; plus strand). Cytogenetic location: 5q12.1.
Variant type: Deletion.
Identifiers: ClinVar variation 1459508 (VCV001459508.4).

ClinVar aggregate classification (germline): Pathogenic (1 of 4 stars; one submission).

Submission:

Labcorp Genetics (formerly Invitae), Labcorp
Classification: Pathogenic. Last evaluated: 2020-10-31. Review status: criteria provided, single submitter. Criteria: Invitae Variant Classification Sherloc (09022015). Collection method: clinical testing. Allele origin: germline.
Comment: For these reasons, this variant has been classified as Pathogenic. This variant has not been reported in the literature in individuals with ERCC8-related conditions. This variant is a gross deletion of the genomic region encompassing exon(s) 1-11 of the ERCC8 gene, which includes the initiator codon. The 5' end of this event is unknown as it extends beyond the assayed region for this gene and therefore may encompass additional genes. The 3' boundary is likely confined to intron 11 of the ERCC8 gene. It is expected to result in an absent or disrupted protein product. Loss-of-function variants in ERCC8 are known to be pathogenic (PMID: 29572252).

Literature cited by the submitters: PubMed 29572252.